The following is an entry in ClinVar:

ClinVar aggregate classification (germline): Uncertain significance (1 of 4 stars; one submission).

Conditions:
Inborn genetic diseases. Identifiers: MedGen C0950123, MeSH D030342.

Submission:

Ambry Genetics
Classification: Uncertain significance for Inborn genetic diseases. Last evaluated: 2024-02-12. Review status: criteria provided, single submitter. Criteria: Ambry Variant Classification Scheme 2023. Collection method: clinical testing. Allele origin: germline.
Comment: The p.D1980V variant (also known as c.5939A>T), located in coding exon 40 of the LRRK2 gene, results from an A to T substitution at nucleotide position 5939. The aspartic acid at codon 1980 is replaced by valine, an amino acid with highly dissimilar properties. This amino acid position is conserved. In addition, this alteration is predicted to be deleterious by in silico analysis. Based on the available evidence, the clinical significance of this alteration remains unclear.

NM_198578.4(LRRK2):c.5939A>T (p.Asp1980Val)

Gene: LRRK2 (leucine rich repeat kinase 2; plus strand). Cytogenetic location: 12q12.
Variant type: single nucleotide variant.
Coding change: c.5939A>T on transcript NM_198578.4 (MANE Select); coding-DNA position 5939, A replaced by T.
Protein change: p.Asp1980Val; replaces aspartic acid 1980 with valine.
Molecular consequence: missense variant.
Genome position (GRCh38, 1-based): chr12:40,335,148, A>T. VCF-style: chr12-40335148-A-T. GRCh37 (hg19) VCF-style: chr12-40728950-A-T.
Other names: short protein forms D1980V.
Identifiers: ClinVar variation 3229717 (VCV003229717.1), dbSNP rs2499931011, ClinGen allele CA384402490.
Genomic context (GRCh38, chr12:40,335,148, plus strand): 5'-AGCAGGACAAAGCCAGCCTCACTAGAACCCTACAGCACAGGATTGCACTCCACGTAGCTG[A>T]TGGTTTGAGGTAAGTAGGTCATGTTGTTTTCTATTCAGTGCATGACAAGTGTGATCCAGA-3'
Protein context (NP_940980.4, residues 1970-1990): LQHRIALHVA[Asp1980Val]GLRYLHSAMI